The following is an entry in ClinVar:

NM_001253697.2(ERBIN):c.2223A>C (p.Leu741Phe)

Gene: ERBIN (erbb2 interacting protein; plus strand). Cytogenetic location: 5q12.3.
Variant type: single nucleotide variant.
Coding change: c.2223A>C on transcript NM_001253697.2 (MANE Select); coding-DNA position 2223, A replaced by C.
Protein change: p.Leu741Phe; replaces leucine 741 with phenylalanine.
Molecular consequence: missense variant.
Genome position (GRCh38, 1-based): chr5:66,053,541, A>C. VCF-style: chr5-66053541-A-C. GRCh37 (hg19) VCF-style: chr5-65349369-A-C.
Other names: c.2223A>C, p.Leu741Phe (NM_001006600.3, NM_001253698.2, NM_001253699.2 and 1 more transcripts); c.2211A>C, p.Leu737Phe (NM_001253701.2); short protein forms L737F, L741F.
Identifiers: ClinVar variation 4804524 (VCV004804524.1).

ClinVar aggregate classification (germline): Uncertain significance (1 of 4 stars; one submission).

gnomAD v4.1: 2 of 1,611,300 alleles (0.00012%); highest among the groups gnomAD compares: Non-Finnish European, 0.000085%; no homozygotes.

Submission:

Labcorp Genetics (formerly Invitae), Labcorp
Classification: Uncertain significance. Last evaluated: 2025-03-06. Review status: criteria provided, single submitter. Criteria: Invitae Variant Classification Sherloc (09022015). Collection method: clinical testing. Allele origin: germline.
Comment: This sequence change replaces leucine, which is neutral and non-polar, with phenylalanine, which is neutral and non-polar, at codon 741 of the ERBIN protein (p.Leu741Phe). This variant is not present in population databases (gnomAD no frequency). This variant has not been reported in the literature in individuals affected with ERBIN-related conditions. An algorithm developed to predict the effect of missense changes on protein structure and function (PolyPhen-2) suggests that this variant is likely to be disruptive. In summary, the available evidence is currently insufficient to determine the role of this variant in disease. Therefore, it has been classified as a Variant of Uncertain Significance.